The following is an entry in ClinVar:

ClinVar aggregate classification (germline): Uncertain significance. Review status: criteria provided, multiple submitters, no conflicts (2 of 4 stars). 2 submissions from 2 submitters: Uncertain significance (2). Last evaluated 2026-02-06.

Conditions:
LOXL3-related disorder. Also called: LOXL3-related condition.

Allele frequency attached by ClinVar (database versions not stated): TOPMed 0.00006; gnomAD 0.00001; gnomAD exomes 0.00005; ExAC 0.00004.
gnomAD v4.1: 82 of 1,613,542 alleles (0.0051%); highest among the groups gnomAD compares: Admixed American, 0.02%; no homozygotes.

Submissions (2):

PreventionGenetics, part of Exact Sciences
Classification: Uncertain significance for LOXL3-related condition. Last evaluated: 2026-02-06. Review status: criteria provided, single submitter. Criteria: ACMG Guidelines, 2015. Collection method: clinical testing. Allele origin: germline.
Comment: The LOXL3 c.134G>A variant is predicted to result in the amino acid substitution p.Arg45Gln. To our knowledge, this variant has not been reported in the literature. This variant is reported in 0.026% of alleles in individuals of Latino descent in gnomAD. At this time, the clinical significance of this variant is uncertain due to the absence of conclusive functional and genetic evidence.

Labcorp Genetics (formerly Invitae), Labcorp
Classification: Uncertain significance. Last evaluated: 2025-01-06. Review status: criteria provided, single submitter. Criteria: Invitae Variant Classification Sherloc (09022015). Collection method: clinical testing. Allele origin: germline.
Comment: This sequence change replaces arginine, which is basic and polar, with glutamine, which is neutral and polar, at codon 45 of the LOXL3 protein (p.Arg45Gln). This variant is present in population databases (rs202057346, gnomAD 0.03%). This variant has not been reported in the literature in individuals affected with LOXL3-related conditions. ClinVar contains an entry for this variant (Variation ID: 2144846). An algorithm developed to predict the effect of missense changes on protein structure and function (PolyPhen-2) suggests that this variant is likely to be disruptive. In summary, the available evidence is currently insufficient to determine the role of this variant in disease. Therefore, it has been classified as a Variant of Uncertain Significance.

NM_032603.5(LOXL3):c.134G>A (p.Arg45Gln)

Genes: DOK1 (docking protein 1; plus strand), LOXL3 (lysyl oxidase like 3; minus strand). Cytogenetic location: 2p13.1.
Variant type: single nucleotide variant.
Coding change: c.134G>A on transcript NM_032603.5 (MANE Select); coding-DNA position 134, G replaced by A.
Protein change: p.Arg45Gln; replaces arginine 45 with glutamine.
Molecular consequence: missense variant. On other transcripts: intron variant (1).
Genome position (GRCh38, 1-based): chr2:74,552,501, C>T on the plus strand (G>A on the coding strand, the complement: LOXL3 is on the minus strand). VCF-style: chr2-74552501-C-T. GRCh37 (hg19) VCF-style: chr2-74779628-C-T.
Other names: c.134G>A, p.Arg45Gln (NM_001289164.3); c.-357-2653C>T (NM_001197260.2); short protein forms R45Q.
Identifiers: ClinVar variation 2144846 (VCV002144846.3), dbSNP rs202057346, ClinGen allele CA1729253.